The following is an entry in ClinVar:

ClinVar aggregate classification (germline): Uncertain significance (1 of 4 stars; one submission).

Submission:

Labcorp Genetics (formerly Invitae), Labcorp
Classification: Uncertain significance. Last evaluated: 2018-09-12. Review status: criteria provided, single submitter. Criteria: Invitae Variant Classification Sherloc (09022015). Collection method: clinical testing. Allele origin: germline.
Comment: In summary, the available evidence is currently insufficient to determine the role of this variant in disease. Therefore, it has been classified as a Variant of Uncertain Significance. Algorithms developed to predict the effect of missense changes on protein structure and function (SIFT, PolyPhen-2, Align-GVGD) all suggest that this variant is likely to be disruptive, but these predictions have not been confirmed by published functional studies and their clinical significance is uncertain. This variant has not been reported in the literature in individuals with POLE-related disease. This variant is not present in population databases (ExAC no frequency). This sequence change replaces tyrosine with cysteine at codon 683 of the POLE protein (p.Tyr683Cys). The tyrosine residue is moderately conserved and there is a large physicochemical difference between tyrosine and cysteine.

NM_006231.4(POLE):c.2048A>G (p.Tyr683Cys)

Gene: POLE (DNA polymerase epsilon, catalytic subunit; minus strand). Cytogenetic location: 12q24.33.
Variant type: single nucleotide variant.
Coding change: c.2048A>G on transcript NM_006231.4 (MANE Select); coding-DNA position 2048, A replaced by G.
Protein change: p.Tyr683Cys; replaces tyrosine 683 with cysteine.
Molecular consequence: missense variant.
Genome position (GRCh38, 1-based): chr12:132,668,481, T>C on the plus strand (A>G on the coding strand, the complement: POLE is on the minus strand). VCF-style: chr12-132668481-T-C. GRCh37 (hg19) VCF-style: chr12-133245067-T-C.
Other names: short protein forms Y683C.
Identifiers: ClinVar variation 655367 (VCV000655367.8), dbSNP rs1593792114, ClinGen allele CA387354366.